The following is an entry in ClinVar:

NM_017852.5(NLRP2):c.2879+173G>A

Gene: NLRP2 (NLR family pyrin domain containing 2; plus strand). Cytogenetic location: 19q13.42.
Variant type: single nucleotide variant.
Coding change: c.2879+173G>A on transcript NM_017852.5 (MANE Select); 173 bases into the intron after coding-DNA position 2879, G replaced by A.
Molecular consequence: intron variant.
Genome position (GRCh38, 1-based): chr19:54,994,612, G>A. VCF-style: chr19-54994612-G-A. GRCh37 (hg19) VCF-style: chr19-55505980-G-A.
Other names: c.2879+173G>A (NM_001174081.3); c.2870+173G>A (NM_001348003.2); c.2813+173G>A (NM_001174082.3); c.2810+173G>A (NM_001174083.2).
Identifiers: ClinVar variation 103064 (VCV000103064.2), dbSNP rs199475725, ClinGen allele CA230058.
Genomic context (GRCh38, chr19:54,994,612, plus strand): 5'-ATAGAGTCGATCGAGCATTTACTAGGATGGTTAAAGGAATAAGTTCTAGTCTATGTCTAA[G>A]TTTTTGTTTTTTTTTTTCTTGAAGTTTTGCTCTTGTCACATAGGCTGGAGTGCAGTGGCG-3'

ClinVar aggregate classification (germline): not provided (0 of 4 stars; one submission).

Allele frequency attached by ClinVar (database versions not stated): 1000 Genomes Project 30x 0.00016; 1000 Genomes Project 0.00020; TOPMed 0.00034; gnomAD 0.00040 and 0.00041.
gnomAD v4.1: 59 of 151,568 alleles (0.039%); highest among the groups gnomAD compares: Non-Finnish European, 0.08%; no homozygotes.

Submission:

Human Evolutionary Genetics, Institut Pasteur
No classification provided. Review status: no classification provided. Collection method: not provided. Allele origin: germline.
ClinVar note: Converted during submission from untested to not provided.